The following is an entry in ClinVar:

NM_006063.3(KLHL41):c.1306A>G (p.Lys436Glu)

Gene: KLHL41 (kelch like family member 41; plus strand). Cytogenetic location: 2q31.1.
Variant type: single nucleotide variant.
Coding change: c.1306A>G on transcript NM_006063.3 (MANE Select); coding-DNA position 1306, A replaced by G.
Protein change: p.Lys436Glu; replaces lysine 436 with glutamic acid.
Molecular consequence: missense variant.
Genome position (GRCh38, 1-based): chr2:169,514,891, A>G. VCF-style: chr2-169514891-A-G. GRCh37 (hg19) VCF-style: chr2-170371401-A-G.
Other names: short protein forms K436E.
Identifiers: ClinVar variation 1356025 (VCV001356025.6), dbSNP rs1185067965, ClinGen allele CA349178744.

ClinVar aggregate classification (germline): Uncertain significance (1 of 4 stars; one submission).

Conditions:
Nemaline myopathy 9 (NEM9). Identifiers: MedGen C3810384, MONDO:0014326, OMIM 615731.

Allele frequency attached by ClinVar (database versions not stated): gnomAD 0.00001 and 0.00002; TOPMed 0.00001; gnomAD exomes 0.00002.
gnomAD v4.1: 34 of 1,610,506 alleles (0.0021%); highest among the groups gnomAD compares: Non-Finnish European, 0.0029%; no homozygotes.

Submission:

Labcorp Genetics (formerly Invitae), Labcorp
Classification: Uncertain significance for Nemaline myopathy 9. Last evaluated: 2022-02-02. Review status: criteria provided, single submitter. Criteria: Invitae Variant Classification Sherloc (09022015). Collection method: clinical testing. Allele origin: germline.
Comment: This sequence change replaces lysine, which is basic and polar, with glutamic acid, which is acidic and polar, at codon 436 of the KLHL41 protein (p.Lys436Glu). In summary, the available evidence is currently insufficient to determine the role of this variant in disease. Therefore, it has been classified as a Variant of Uncertain Significance. Algorithms developed to predict the effect of missense changes on protein structure and function are either unavailable or do not agree on the potential impact of this missense change (SIFT: "Deleterious"; PolyPhen-2: "Benign"; Align-GVGD: "Class C15"). This variant has not been reported in the literature in individuals affected with KLHL41-related conditions. This variant is present in population databases (no rsID available, gnomAD 0.007%).